The following is an entry in ClinVar:

ClinVar aggregate classification (germline): Pathogenic/Likely pathogenic. Review status: criteria provided, multiple submitters, no conflicts (2 of 4 stars). 3 submissions from 3 submitters: Pathogenic (1); Likely pathogenic (2). Last evaluated 2024-05-24.

Conditions:
Autosomal recessive nonsyndromic hearing loss 77. Identifiers: Orphanet 90636, MedGen C2746083, MONDO:0013119, OMIM 613079.

Allele frequency attached by ClinVar (database versions not stated): gnomAD exomes below 0.00001.
gnomAD v4.1: 5 of 1,552,622 alleles (0.00032%); highest among the groups gnomAD compares: African/African-American, 0.0014%; no homozygotes.

Submissions (3):

Natera, Inc.
Classification: Likely pathogenic for Autosomal recessive deafness type 77. Last evaluated: 2024-05-24. Review status: criteria provided, single submitter. Criteria: Natera Variant Classification Schema (03/2026). Collection method: clinical testing. Allele origin: germline.
Comment: The c.2773C>T variant in LOXHD1 is a nonsense variant predicted to introduce a stop codon at amino acid 925. This variant is expected to result in nonsense mediated decay, truncation, or a dysfunctional protein product. This variant is rare in the general population with a frequency below the threshold expected for the associated phenotype(s). Given the available evidence, this variant is classified as Likely Pathogenic.

Labcorp Genetics (formerly Invitae), Labcorp
Classification: Pathogenic. Last evaluated: 2024-03-07. Review status: criteria provided, single submitter. Criteria: Invitae Variant Classification Sherloc (09022015). Collection method: clinical testing. Allele origin: germline.
Comment: This sequence change creates a premature translational stop signal (p.Gln925*) in the LOXHD1 gene. It is expected to result in an absent or disrupted protein product. Loss-of-function variants in LOXHD1 are known to be pathogenic (PMID: 19732867, 21465660, 25792669). This variant is not present in population databases (gnomAD no frequency). This variant has not been reported in the literature in individuals affected with LOXHD1-related conditions. ClinVar contains an entry for this variant (Variation ID: 951479). For these reasons, this variant has been classified as Pathogenic.

Fulgent Genetics
Classification: Likely pathogenic for Autosomal recessive nonsyndromic hearing loss 77. Last evaluated: 2022-05-25. Review status: criteria provided, single submitter. Criteria: ACMG Guidelines, 2015. Collection method: clinical testing. Allele origin: unknown.

Literature cited by the submitters: PubMed 19732867 (cited by Labcorp Genetics (formerly Invitae), Labcorp); PubMed 21465660 (cited by Labcorp Genetics (formerly Invitae), Labcorp); PubMed 25792669 (cited by Labcorp Genetics (formerly Invitae), Labcorp).

NM_001384474.1(LOXHD1):c.2773C>T (p.Gln925Ter)

Gene: LOXHD1 (lipoxygenase homology PLAT domains 1; minus strand). Cytogenetic location: 18q21.1.
Variant type: single nucleotide variant.
Coding change: c.2773C>T on transcript NM_001384474.1 (MANE Select); coding-DNA position 2773, C replaced by T.
Protein change: p.Gln925Ter; replaces glutamine 925 with a stop codon.
Molecular consequence: nonsense.
Genome position (GRCh38, 1-based): chr18:46,560,371, G>A on the plus strand (C>T on the coding strand, the complement: LOXHD1 is on the minus strand). VCF-style: chr18-46560371-G-A. GRCh37 (hg19) VCF-style: chr18-44140334-G-A.
Other names: c.2773C>T, p.Gln925Ter (NM_144612.7); short protein forms Q925*.
Identifiers: ClinVar variation 951479 (VCV000951479.9), dbSNP rs2037495535, ClinGen allele CA402371336.
Genomic context (GRCh38, chr18:46,560,371, plus strand): 5'-CCTTCCTCTTCTTCTTCTTCCTCTGCAGCTTGGCCTTCAGCCGCTCCTTCTTGAGCAGCT[G>A]CCGCAGCTTGTCCTTCTCCTTCTTCTTCCGGGCCTCCTCCTCCGGCGTGAGGTCCACCTC-3'